The following is an entry in ClinVar:

ClinVar aggregate classification (germline): Uncertain significance (1 of 4 stars; one submission).

Conditions:
Neuropathy, hereditary sensory and autonomic, type 2A (HSAN2A). Also called: ACROOSTEOLYSIS, GIACCAI TYPE; ACROOSTEOLYSIS, NEUROGENIC; MORVAN DISEASE; NEUROPATHY, CONGENITAL SENSORY; NEUROPATHY, HEREDITARY SENSORY RADICULAR, AUTOSOMAL RECESSIVE; NEUROPATHY, HEREDITARY SENSORY, TYPE IIA. Identifiers: Orphanet 970, MedGen C2752089, MONDO:0024309, OMIM 201300.
Pseudohypoaldosteronism type 2C (PHA2C). Also called: Pseudohypoaldosteronism Type IIC. Identifiers: Orphanet 757, Orphanet 88940, MedGen C1840391, MONDO:0013778, OMIM 614492.

Submission:

Labcorp Genetics (formerly Invitae), Labcorp
Classification: Uncertain significance for Neuropathy, hereditary sensory and autonomic, type 2A; Pseudohypoaldosteronism type 2C. Last evaluated: 2023-04-09. Review status: criteria provided, single submitter. Criteria: Invitae Variant Classification Sherloc (09022015). Collection method: clinical testing. Allele origin: germline.
Comment: In summary, the available evidence is currently insufficient to determine the role of this variant in disease. Therefore, it has been classified as a Variant of Uncertain Significance. Experimental studies and prediction algorithms are not available or were not evaluated, and the functional significance of this variant is currently unknown. This variant has not been reported in the literature in individuals affected with WNK1-related conditions. Information on the frequency of this variant in the gnomAD database is not available, as this variant may be reported differently in the database. This sequence change replaces cysteine, which is neutral and slightly polar, with proline, which is neutral and non-polar, at codon 1758 of the WNK1 protein (p.Cys1758Pro).

NM_018979.4(WNK1):c.4516_4517delinsCC (p.Cys1506Pro)

Gene: WNK1 (WNK lysine deficient protein kinase 1; plus strand). Cytogenetic location: 12p13.33.
Variant type: Indel.
Coding change: c.4516_4517delinsCC on transcript NM_018979.4 (MANE Select); coding-DNA positions 4516 to 4517, TG replaced by CC.
Protein change: p.Cys1506Pro; replaces cysteine 1506 with proline.
Molecular consequence: missense variant.
Genome position (GRCh38, 1-based): chr12:885,320-885,321, TG replaced by CC. VCF-style: chr12-885320-TG-CC. GRCh37 (hg19) VCF-style: chr12-994486-TG-CC.
Other names: c.5296_5297delinsCC, p.Cys1766Pro (NM_001184985.2); c.3775_3776delinsCC, p.Cys1259Pro (NM_014823.3); c.5272_5273delinsCC, p.Cys1758Pro (NM_213655.5); short protein forms C1766P, C1506P, C1259P, C1758P.
Identifiers: ClinVar variation 2939052 (VCV002939052.3), dbSNP rs2549046495, ClinGen allele CA2740092304.